The following is an entry in ClinVar:

ClinVar aggregate classification (germline): Pathogenic/Likely pathogenic. Review status: criteria provided, multiple submitters, no conflicts (2 of 4 stars). 2 submissions from 2 submitters: Pathogenic (1); Likely pathogenic (1). Last evaluated 2019-04-24.

Conditions:
Hereditary cancer-predisposing syndrome. Also called: Neoplastic Syndromes, Hereditary; Tumor predisposition; Hereditary Cancer Syndrome; Hereditary neoplastic syndrome. Identifiers: Orphanet 140162, MedGen C0027672, MeSH D009386, MONDO:0015356.
Nijmegen breakage syndrome-like disorder (NBSLD). Also called: MICROCEPHALY AND SPONTANEOUS CHROMOSOME INSTABILITY WITHOUT IMMUNODEFICIENCY; NBS-LIKE DISORDER; RAD50 DEFICIENCY. Identifiers: Orphanet 240760, MedGen C2751318, MONDO:0013118, OMIM 613078.

Allele frequency attached by ClinVar (database versions not stated): gnomAD exomes below 0.00001.
gnomAD v4.1: 1 of 1,609,122 alleles (0.000062%); highest among the groups gnomAD compares: Non-Finnish European, 0.000085%; no homozygotes.

Submissions (2):

Revvity Omics, Revvity
Classification: Pathogenic for Nijmegen breakage syndrome-like disorder. Last evaluated: 2019-04-24. Review status: criteria provided, single submitter. Criteria: ACMG Guidelines, 2015. Collection method: clinical testing. Allele origin: germline.

Ambry Genetics
Classification: Likely pathogenic for Hereditary cancer-predisposing syndrome. Last evaluated: 2018-11-16. Review status: criteria provided, single submitter. Criteria: Ambry Variant Classification Scheme 2023. Collection method: clinical testing. Allele origin: germline.
Comment: The c.1969+1G>A intronic variant results from a G to A substitution one nucleotide after coding exon 12 of the RAD50 gene. This nucleotide position is highly conserved on sequence alignment. Using the BDGP and ESEfinder splice site prediction tools, this alteration is predicted to abolish the native splice donor site; however, direct evidence is unavailable. Alterations that disrupt the canonical splice site are expected to cause aberrant splicing, resulting in an abnormal protein or a transcript that is subject to nonsense-mediated mRNA decay. As such, this alteration is classified as likely pathogenic.

NM_005732.4(RAD50):c.1969+1G>A

Gene: RAD50 (RAD50 double strand break repair protein; plus strand). Cytogenetic location: 5q31.1.
Variant type: single nucleotide variant.
Coding change: c.1969+1G>A on transcript NM_005732.4 (MANE Select); the canonical splice donor site of the intron after coding-DNA position 1969, G replaced by A.
Molecular consequence: splice donor variant.
Genome position (GRCh38, 1-based): chr5:132,595,045, G>A. VCF-style: chr5-132595045-G-A. GRCh37 (hg19) VCF-style: chr5-131930737-G-A.
Identifiers: ClinVar variation 141877 (VCV000141877.9), dbSNP rs587782078, ClinGen allele CA166674.